The following is an entry in ClinVar:

NM_001040167.2(LFNG):c.723C>T (p.Ser241=)

Gene: LFNG (LFNG O-fucosylpeptide 3-beta-N-acetylglucosaminyltransferase; plus strand). Cytogenetic location: 7p22.3.
Variant type: single nucleotide variant.
Coding change: c.723C>T on transcript NM_001040167.2 (MANE Select); coding-DNA position 723, C replaced by T.
Protein change: p.Ser241=; no amino-acid change (serine 241 retained).
Molecular consequence: synonymous variant.
Genome position (GRCh38, 1-based): chr7:2,525,555, C>T. VCF-style: chr7-2525555-C-T. GRCh37 (hg19) VCF-style: chr7-2565189-C-T.
Other names: c.723C>T, p.Ser241= (NM_001040168.2); c.510C>T, p.Ser170= (NM_001166355.2); c.336C>T, p.Ser112= (NM_002304.3).
Identifiers: ClinVar variation 534226 (VCV000534226.11), dbSNP rs115678269, ClinGen allele CA4127079.

ClinVar aggregate classification (germline): Likely benign. Review status: criteria provided, single submitter (1 of 4 stars). 2 submissions from 2 submitters: Likely benign (1). 1 of the submissions does not count toward it. Last evaluated 2025-12-22.

Conditions:
Spondylocostal dysostosis 3, autosomal recessive (SCDO3). Also called: LFNG-Related Spondylocostal Dysostosis, Autosomal Recessive. Identifiers: Orphanet 2311, MedGen C1853296, MONDO:0012349, OMIM 609813.
LFNG-related disorder. Also called: LFNG-related condition.

Allele frequency attached by ClinVar (database versions not stated): gnomAD exomes 0.00005 and 0.00009; ExAC 0.00011; ESP Exome Variant Server 0.00023; TOPMed 0.00027; gnomAD 0.00030 and 0.00033; 1000 Genomes Project 0.00040; 1000 Genomes Project 30x 0.00062.
gnomAD v4.1: 117 of 1,612,246 alleles (0.0073%); highest among the groups gnomAD compares: African/African-American, 0.092%; 1 homozygote.

Submissions (2):

Labcorp Genetics (formerly Invitae), Labcorp
Classification: Likely benign for Spondylocostal dysostosis 3, autosomal recessive. Last evaluated: 2025-12-22. Review status: criteria provided, single submitter. Criteria: Invitae Variant Classification Sherloc (09022015). Collection method: clinical testing. Allele origin: germline.

PreventionGenetics, part of Exact Sciences
Classification: Likely benign for LFNG-related condition. Last evaluated: 2020-04-27. Review status: no assertion criteria provided. Collection method: clinical testing. Allele origin: germline. Not counted in ClinVar's aggregate classification.
Comment: This variant is classified as likely benign based on ACMG/AMP sequence variant interpretation guidelines (Richards et al. 2015 PMID: 25741868, with internal and published modifications).